The following is an entry in ClinVar:

NM_032273.4(TMEM126A):c.402_405dup (p.Ala136fs)

Gene: TMEM126A (transmembrane protein 126A; plus strand). Cytogenetic location: 11q14.1.
Variant type: Microsatellite.
Coding change: c.402_405dup on transcript NM_032273.4 (MANE Select); coding-DNA positions 402 to 405, 4 bases duplicated (ATCA; older notation c.402_405dupATCA).
Protein change: p.Ala136fs; shifts the reading frame from alanine 136.
Molecular consequence: frameshift variant.
Genome position (GRCh38, 1-based): chr11:85,656,315-85,656,318, ATCA duplicated; duplicating any 4 consecutive bases within chr11:85,656,311-85,656,318 gives the same sequence; the c. name uses the placement nearest the transcript's 3' end. VCF-style (leftmost placement, unchanged base first): chr11-85656310-T-TATCA. GRCh37 (hg19) VCF-style: chr11-85367354-T-TATCA.
Other names: c.192_195dup, p.Ala66fs (NM_001244735.2); short protein forms A136fs, A66fs.
Identifiers: ClinVar variation 848675 (VCV000848675.4), dbSNP rs764210673, ClinGen allele CA6212805.

ClinVar aggregate classification (germline): Uncertain significance (1 of 4 stars; one submission).

Submission:

Labcorp Genetics (formerly Invitae), Labcorp
Classification: Uncertain significance. Last evaluated: 2022-07-11. Review status: criteria provided, single submitter. Criteria: Invitae Variant Classification Sherloc (09022015). Collection method: clinical testing. Allele origin: germline.
Comment: In summary, the available evidence is currently insufficient to determine the role of this variant in disease. Therefore, it has been classified as a Variant of Uncertain Significance. Experimental studies and prediction algorithms are not available or were not evaluated, and the functional significance of this variant is currently unknown. ClinVar contains an entry for this variant (Variation ID: 848675). This variant has not been reported in the literature in individuals affected with TMEM126A-related conditions. This variant is present in population databases (rs764210673, gnomAD 0.007%). This sequence change creates a premature translational stop signal (p.Ala136Ilefs*16) in the TMEM126A gene. While this is not anticipated to result in nonsense mediated decay, it is expected to disrupt the last 60 amino acid(s) of the TMEM126A protein.